The following is an entry in ClinVar:

NM_001127511.3(APC):c.-130G>T

Gene: APC (APC regulator of Wnt signaling pathway; plus strand). Cytogenetic location: 5q22.2.
Variant type: single nucleotide variant.
Coding change: c.-130G>T on transcript NM_001127511.3; 130 bases upstream of the start codon, G replaced by T.
Molecular consequence: 5 prime UTR variant. On other transcripts: non-coding transcript variant (2).
Genome position (GRCh38, 1-based): chr5:112,707,588, G>T. VCF-style: chr5-112707588-G-T. GRCh37 (hg19) VCF-style: chr5-112043285-G-T.
Other names: c.-313G>T (NM_001354895.2, NM_001407447.1, NM_001407452.1 and 3 more transcripts); c.-130G>T (NM_001354897.2, NM_001354902.2, NM_001407446.1); c.-80G>T (NM_001407448.1, NM_001407450.1, NM_001407457.1 and 1 more transcripts); c.-104G>T (NM_001407453.1); c.-1348G>T (NM_001407470.1, NM_001407472.1).
Identifiers: ClinVar variation 469830 (VCV000469830.11), dbSNP rs1056513509, ClinGen allele CA124924965.
Genomic context (GRCh38, chr5:112,707,588, plus strand): 5'-GGCGGAGGGCAAGTAGCAAGGGGGCGGGGTGTGGCCGCCGGAAGCCTAGCCGCTGCTCGG[G>T]GGGGACCTGCGGGCTCAGGCCCGGGAGCTGCGGACCGAGGTTGGCTCGATGCTGTTCCCA-3'

ClinVar aggregate classification (germline): Uncertain significance. Review status: criteria provided, multiple submitters, no conflicts (2 of 4 stars). 2 submissions from 2 submitters: Uncertain significance (2). Last evaluated 2025-12-10.

Conditions:
Familial adenomatous polyposis 1 (FAP1). Also called: FAMILIAL ADENOMATOUS POLYPOSIS 1, ATTENUATED; POLYPOSIS, ADENOMATOUS INTESTINAL. Identifiers: MedGen C2713442, MONDO:0021056, OMIM 175100. Disease mechanism: loss of function.

Allele frequency attached by ClinVar (database versions not stated): TOPMed 0.00001.
gnomAD v4.1: 13 of 1,006,222 alleles (0.0013%); highest among the groups gnomAD compares: South Asian, 0.0058%; no homozygotes.

Submissions (2):

Labcorp Genetics (formerly Invitae), Labcorp
Classification: Uncertain significance for Familial adenomatous polyposis 1. Last evaluated: 2025-12-10. Review status: criteria provided, single submitter. Criteria: Invitae Variant Classification Sherloc (09022015). Collection method: clinical testing. Allele origin: germline.
Comment: This variant occurs in a non-coding region of the APC gene. It does not change the encoded amino acid sequence of the APC protein. This variant is present in population databases (no rsID available, gnomAD 0.01%). This variant has not been reported in the literature in individuals affected with APC-related conditions. ClinVar contains an entry for this variant (Variation ID: 469830). Experimental studies and prediction algorithms are not available or were not evaluated, and the functional significance of this variant is currently unknown. In summary, the available evidence is currently insufficient to determine the role of this variant in disease. Therefore, it has been classified as a Variant of Uncertain Significance.

Blueprint Genetics
Classification: Uncertain significance. Last evaluated: 2023-07-17. Review status: criteria provided, single submitter. Criteria: ACMG Guidelines, 2015. Collection method: clinical testing. Allele origin: germline.